The following is an entry in ClinVar:

ClinVar aggregate classification (germline): Uncertain significance. Review status: criteria provided, single submitter (1 of 4 stars). 2 submissions from 2 submitters: Uncertain significance (1). 1 of the submissions does not count toward it. Last evaluated 2026-01-19.

Conditions:
IFIH1-related disorder. Also called: IFIH1-related condition.
Singleton-Merten syndrome 1 (SGMRT1). Also called: Widened medullary cavities of bone, aortic calcification, abnormal dentition, and muscular weakness; Syndrome of widened medullary cavities of the metacarpals and phalanges, aortic calcification and abnormal dentition. Identifiers: Orphanet 85191, MedGen C4225427, MONDO:0024535, OMIM 182250.
Aicardi-Goutieres syndrome 7 (AGS7). Identifiers: Orphanet 51, MedGen C3888244, MONDO:0014367, OMIM 615846.

Allele frequency attached by ClinVar (database versions not stated): ExAC 0.00001; gnomAD 0.00001.
gnomAD v4.1: 8 of 1,611,096 alleles (0.0005%); highest among the groups gnomAD compares: African/African-American, 0.0027%; no homozygotes.

Submissions (2):

Labcorp Genetics (formerly Invitae), Labcorp
Classification: Uncertain significance for Aicardi-Goutieres syndrome 7; Singleton-Merten syndrome 1. Last evaluated: 2026-01-19. Review status: criteria provided, single submitter. Criteria: Invitae Variant Classification Sherloc (09022015). Collection method: clinical testing. Allele origin: germline.
Comment: This sequence change replaces valine, which is neutral and non-polar, with leucine, which is neutral and non-polar, at codon 359 of the IFIH1 protein (p.Val359Leu). This variant is present in population databases (rs760272821, gnomAD 0.003%). This variant has not been reported in the literature in individuals affected with IFIH1-related conditions. ClinVar contains an entry for this variant (Variation ID: 1945797). Invitae Evidence Modeling of protein sequence and biophysical properties (such as structural, functional, and spatial information, amino acid conservation, physicochemical variation, residue mobility, and thermodynamic stability) has been performed for this missense variant. However, the output from this modeling did not meet the statistical confidence thresholds required to predict the impact of this variant on IFIH1 protein function. In summary, the available evidence is currently insufficient to determine the role of this variant in disease. Therefore, it has been classified as a Variant of Uncertain Significance.

PreventionGenetics, part of Exact Sciences
Classification: Uncertain significance for IFIH1-related condition. Last evaluated: 2024-05-14. Review status: no assertion criteria provided. Collection method: clinical testing. Allele origin: germline. Not counted in ClinVar's aggregate classification.
Comment: The IFIH1 c.1075G>C variant is predicted to result in the amino acid substitution p.Val359Leu. To our knowledge, this variant has not been reported in the literature. This variant is reported in 0.0029% of alleles in individuals of Latino descent in gnomAD. At this time, the clinical significance of this variant is uncertain due to the absence of conclusive functional and genetic evidence.

NM_022168.4(IFIH1):c.1075G>C (p.Val359Leu)

Gene: IFIH1 (interferon induced with helicase C domain 1; minus strand). Cytogenetic location: 2q24.2.
Variant type: single nucleotide variant.
Coding change: c.1075G>C on transcript NM_022168.4 (MANE Select); coding-DNA position 1075, G replaced by C.
Protein change: p.Val359Leu; replaces valine 359 with leucine.
Molecular consequence: missense variant.
Genome position (GRCh38, 1-based): chr2:162,288,155, C>G on the plus strand (G>C on the coding strand, the complement: IFIH1 is on the minus strand). VCF-style: chr2-162288155-C-G. GRCh37 (hg19) VCF-style: chr2-163144665-C-G.
Other names: c.1075G>C (NM_022168.3); short protein forms V359L.
Identifiers: ClinVar variation 1945797 (VCV001945797.6), dbSNP rs760272821, ClinGen allele CA1934636.